The following is an entry in ClinVar:

ClinVar aggregate classification (germline): Uncertain significance (1 of 4 stars; one submission).

Conditions:
3-methylglutaconic aciduria, type VIIB (MGCA7B). Also called: CLPB Deficiency; 3-methylglutaconic aciduria with cataracts, neurologic involvement and neutropenia; 3-methylglutaconic aciduria, type VII, with cataracts, neurologic involvement and neutropenia. Identifiers: Orphanet 445038, MedGen C5676893, MONDO:0014561, OMIM 616271.

Submission:

Labcorp Genetics (formerly Invitae), Labcorp
Classification: Uncertain significance for 3-methylglutaconic aciduria, type VIIB. Last evaluated: 2025-12-02. Review status: criteria provided, single submitter. Criteria: Invitae Variant Classification Sherloc (09022015). Collection method: clinical testing. Allele origin: germline.
Comment: This sequence change replaces aspartic acid, which is acidic and polar, with asparagine, which is neutral and polar, at codon 192 of the CLPB protein (p.Asp192Asn). This variant is present in population databases (no rsID available, gnomAD 0.0009%). This variant has not been reported in the literature in individuals affected with CLPB-related conditions. An algorithm developed to predict the effect of missense changes on protein structure and function (PolyPhen-2) suggests that this variant is likely to be disruptive. In summary, the available evidence is currently insufficient to determine the role of this variant in disease. Therefore, it has been classified as a Variant of Uncertain Significance.

NM_001258392.3(CLPB):c.574G>A (p.Asp192Asn)

Gene: CLPB (ClpB family mitochondrial disaggregase; minus strand). Cytogenetic location: 11q13.4.
Variant type: single nucleotide variant.
Coding change: c.574G>A on transcript NM_001258392.3 (MANE Select); coding-DNA position 574, G replaced by A.
Protein change: p.Asp192Asn; replaces aspartic acid 192 with asparagine.
Molecular consequence: missense variant.
Genome position (GRCh38, 1-based): chr11:72,380,353, C>T on the plus strand (G>A on the coding strand, the complement: CLPB is on the minus strand). VCF-style: chr11-72380353-C-T. GRCh37 (hg19) VCF-style: chr11-72091397-C-T.
Other names: c.487G>A, p.Asp163Asn (NM_001258393.3); c.439G>A, p.Asp147Asn (NM_001258394.3); c.574G>A, p.Asp192Asn (NM_030813.6); short protein forms D147N, D163N, D192N.
Identifiers: ClinVar variation 4761831 (VCV004761831.1).
Genomic context (GRCh38, chr11:72,380,353, plus strand): 5'-GGATTCCCTGTTCCTTGGCAGTCTTGTAAACACTGCTGAAATCATCTCCAAGGTTTGGAT[C>T]AGCCCCAGCAGCAAGCAGGACCTGTACCACACTAGAAGAAATCACAAAGACAGAAGTGTC-3'
Protein context (NP_001245321.1, residues 182-202): VVQVLLAAGA[Asp192Asn]PNLGDDFSSV